The following is an entry in ClinVar:

NM_001282933.2(ZNF341):c.1174C>T (p.Gln392Ter)

Gene: ZNF341 (zinc finger protein 341; plus strand). Cytogenetic location: 20q11.22.
Variant type: single nucleotide variant.
Coding change: c.1174C>T on transcript NM_001282933.2 (MANE Select); coding-DNA position 1174, C replaced by T.
Protein change: p.Gln392Ter; replaces glutamine 392 with a stop codon.
Molecular consequence: nonsense. On other transcripts: non-coding transcript variant (1).
Genome position (GRCh38, 1-based): chr20:33,762,007, C>T. VCF-style: chr20-33762007-C-T. GRCh37 (hg19) VCF-style: chr20-32349813-C-T.
Other names: c.904C>T, p.Gln302Ter (NM_001282935.2); c.1153C>T, p.Gln385Ter (NM_032819.5); short protein forms Q385*, Q392*, Q302*.
Identifiers: ClinVar variation 4690653 (VCV004690653.1).

ClinVar aggregate classification (germline): Pathogenic (1 of 4 stars; one submission).

Submission:

Labcorp Genetics (formerly Invitae), Labcorp
Classification: Pathogenic. Last evaluated: 2025-09-14. Review status: criteria provided, single submitter. Criteria: Invitae Variant Classification Sherloc (09022015). Collection method: clinical testing. Allele origin: germline.
Comment: This sequence change creates a premature translational stop signal (p.Gln385*) in the ZNF341 gene. It is expected to result in an absent or disrupted protein product. Loss-of-function variants in ZNF341 are known to be pathogenic (PMID: 29907690, 29907691). This variant is not present in population databases (gnomAD no frequency). This variant has not been reported in the literature in individuals affected with ZNF341-related conditions. Algorithms developed to predict the effect of sequence changes on RNA splicing suggest that this variant may disrupt the consensus splice site. For these reasons, this variant has been classified as Pathogenic.

Literature cited by the submitters: PubMed 29907690; PubMed 29907691.